The following is an entry in ClinVar:

NM_006033.4(LIPG):c.1482-12G>A

Gene: LIPG (lipase G, endothelial type; plus strand). Cytogenetic location: 18q21.1.
Variant type: single nucleotide variant.
Coding change: c.1482-12G>A on transcript NM_006033.4 (MANE Select); 12 bases into the intron before coding-DNA position 1482, G replaced by A.
Molecular consequence: intron variant.
Genome position (GRCh38, 1-based): chr18:49,590,489, G>A. VCF-style: chr18-49590489-G-A. GRCh37 (hg19) VCF-style: chr18-47116859-G-A.
Other names: c.1260-12G>A (NM_001308006.2).
Identifiers: ClinVar variation 4700536 (VCV004700536.1).

ClinVar aggregate classification (germline): Uncertain significance (1 of 4 stars; one submission).

gnomAD v4.1: 15 of 1,600,704 alleles (0.00094%); highest among the groups gnomAD compares: East Asian, 0.0022%; no homozygotes.

Submission:

Labcorp Genetics (formerly Invitae), Labcorp
Classification: Uncertain significance. Last evaluated: 2025-10-26. Review status: criteria provided, single submitter. Criteria: Invitae Variant Classification Sherloc (09022015). Collection method: clinical testing. Allele origin: germline.
Comment: This sequence change falls in intron 9 of the LIPG gene. It does not directly change the encoded amino acid sequence of the LIPG protein. The frequency data for this variant in the population databases is considered unreliable, as metrics indicate poor data quality at this position in the gnomAD database. This variant has not been reported in the literature in individuals affected with LIPG-related conditions. Algorithms developed to predict the effect of sequence changes on RNA splicing suggest that this variant may disrupt the consensus splice site. In summary, the available evidence is currently insufficient to determine the role of this variant in disease. Therefore, it has been classified as a Variant of Uncertain Significance.